The following is an entry in ClinVar:

ClinVar aggregate classification (germline): Benign/Likely benign. Review status: criteria provided, multiple submitters, no conflicts (2 of 4 stars). 13 submissions from 13 submitters: Benign (7); Likely benign (6). Last evaluated 2026-04-02.

Conditions:
Hereditary cancer-predisposing syndrome. Also called: Tumor predisposition; Hereditary neoplastic syndrome; Hereditary Cancer Syndrome; Neoplastic Syndromes, Hereditary. Identifiers: Orphanet 140162, MedGen C0027672, MeSH D009386, MONDO:0015356.
Oligodontia-cancer predisposition syndrome. Also called: TOOTH AGENESIS-COLORECTAL CANCER SYNDROME. Identifiers: Orphanet 300576, MedGen C1837750, MONDO:0012075, OMIM 608615. Disease mechanism: loss of function.

Allele frequency attached by ClinVar (database versions not stated): TOPMed 0.00034; gnomAD exomes 0.00060 and 0.00087; ESP Exome Variant Server 0.00062; gnomAD 0.00065 and 0.00070; ExAC 0.00071.
gnomAD v4.1: 989 of 1,613,794 alleles (0.061%); highest among the groups gnomAD compares: Non-Finnish European, 0.042%; 3 homozygotes.

Submissions (13):

Women's Health and Genetics/Laboratory Corporation of America, LabCorp
Classification: Benign. Last evaluated: 2026-04-02. Review status: criteria provided, single submitter. Criteria: LabCorp Variant Classification Summary - May 2015. Collection method: clinical testing. Allele origin: germline.

Labcorp Genetics (formerly Invitae), Labcorp
Classification: Benign for Oligodontia-cancer predisposition syndrome. Last evaluated: 2026-02-03. Review status: criteria provided, single submitter. Criteria: Invitae Variant Classification Sherloc (09022015). Collection method: clinical testing. Allele origin: germline.

Quest Diagnostics Nichols Institute San Juan Capistrano
Classification: Benign. Last evaluated: 2025-07-09. Review status: criteria provided, single submitter. Criteria: Quest Diagnostics criteria. Collection method: clinical testing. Allele origin: unknown.

Center for Genomic Medicine, Rigshospitalet, Copenhagen University Hospital
Classification: Likely benign. Last evaluated: 2025-03-04. Review status: criteria provided, single submitter. Criteria: ACMG Guidelines, 2015. Collection method: clinical testing. Allele origin: germline.

Laboratory of Genetics, Children's Clinical University Hospital Latvia
Classification: Likely benign. Last evaluated: 2025-02-16. Review status: criteria provided, single submitter. Criteria: ACMG Guidelines, 2015. Collection method: clinical testing. Allele origin: germline. Affected: yes.

Blueprint Genetics
Classification: Likely benign. Last evaluated: 2024-11-25. Review status: criteria provided, single submitter. Criteria: ACMG Guidelines, 2015. Collection method: clinical testing. Allele origin: germline.

Myriad Genetics, Inc.
Classification: Benign for Oligodontia-cancer predisposition syndrome. Last evaluated: 2024-07-03. Review status: criteria provided, single submitter. Criteria: Myriad Autosomal Dominant, Autosomal Recessive and X-Linked Classification Criteria (2023). Collection method: clinical testing. Allele origin: unknown.
Comment: This variant is considered benign. This variant is a silent/synonymous amino acid change and it is not expected to impact splicing.

CeGaT Center for Human Genetics Tuebingen
Classification: Likely benign. Last evaluated: 2023-06-01. Review status: criteria provided, single submitter. Criteria: CeGaT Center For Human Genetics Tuebingen Variant Classification Criteria Version 2. Collection method: clinical testing. Allele origin: germline. Affected: yes. Observed: 2 variant alleles.
Comment: AXIN2: BP4

Department of Pathology and Laboratory Medicine, Sinai Health System
Classification: Likely benign for Oligodontia-cancer predisposition syndrome. Last evaluated: 2023-04-25. Review status: criteria provided, single submitter. Criteria: ACMG Guidelines, 2015. Collection method: clinical testing. Allele origin: germline. Affected: yes.

Sema4
Classification: Likely benign for Hereditary cancer-predisposing syndrome. Last evaluated: 2021-03-29. Review status: criteria provided, single submitter. Criteria: Sema4 Curation Guidelines. Collection method: curation. Allele origin: germline.

Ambry Genetics
Classification: Benign for Hereditary cancer-predisposing syndrome. Last evaluated: 2019-02-22. Review status: criteria provided, single submitter. Criteria: Ambry Variant Classification Scheme 2023. Collection method: clinical testing. Allele origin: germline.

Illumina Laboratory Services, Illumina
Classification: Benign for Oligodontia-cancer predisposition syndrome. Last evaluated: 2018-01-12. Review status: criteria provided, single submitter. Criteria: ICSL Variant Classification Criteria 13 December 2019. Collection method: clinical testing. Allele origin: germline.
Comment: This variant was observed in the ICSL laboratory as part of a predisposition screen in an ostensibly healthy population. It had not been previously curated by ICSL or reported in the Human Gene Mutation Database (HGMD: prior to June 1st, 2018), and was therefore a candidate for classification through an automated scoring system. Utilizing variant allele frequency, disease prevalence and penetrance estimates, and inheritance mode, an automated score was calculated to assess if this variant is too frequent to cause the disease. Based on the score and internal cut-off values, a variant classified as benign is not then subjected to further curation. The score for this variant resulted in a classification of benign for this disease.

GeneDx
Classification: Benign. Last evaluated: 2014-04-01. Review status: criteria provided, single submitter. Criteria: GeneDx Variant Classification (06012015). Collection method: clinical testing. Allele origin: germline. Affected: yes.
Comment: This variant is considered likely benign or benign based on one or more of the following criteria: it is a conservative change, it occurs at a poorly conserved position in the protein, it is predicted to be benign by multiple in silico algorithms, and/or has population frequency not consistent with disease.

Literature cited by the submitters: PubMed 30555066 (cited by Quest Diagnostics Nichols Institute San Juan Capistrano); PubMed 15841489 (cited by Sema4).

NM_004655.4(AXIN2):c.1545C>T (p.His515=)

Gene: AXIN2 (axin 2; minus strand). Cytogenetic location: 17q24.1.
Variant type: single nucleotide variant.
Coding change: c.1545C>T on transcript NM_004655.4 (MANE Select); coding-DNA position 1545, C replaced by T.
Protein change: p.His515=; no amino-acid change (histidine 515 retained).
Molecular consequence: synonymous variant.
Genome position (GRCh38, 1-based): chr17:65,537,491, G>A on the plus strand (C>T on the coding strand, the complement: AXIN2 is on the minus strand). VCF-style: chr17-65537491-G-A. GRCh37 (hg19) VCF-style: chr17-63533609-G-A.
Other names: p.H515H:CAC>CAT; c.1545C>T, p.His515= (NM_001363813.1); c.1545C>T (LRG_296t1).
Identifiers: ClinVar variation 136482 (VCV000136482.101), dbSNP rs139316692, ClinGen allele CA289638.